The following is an entry in ClinVar:

ClinVar aggregate classification (germline): Likely pathogenic (1 of 4 stars; one submission).

Conditions:
Dilated cardiomyopathy 1G (CMD1G). Identifiers: Orphanet 154, MedGen C1858763, MONDO:0011400, OMIM 604145.
Autosomal recessive limb-girdle muscular dystrophy type 2J (LGMDR10). Also called: Limb-girdle muscular dystrophy, type 2J; MUSCULAR DYSTROPHY, LIMB-GIRDLE, AUTOSOMAL RECESSIVE 10. Identifiers: Orphanet 140922, MedGen C1837342, MONDO:0012127, OMIM 608807.

Submission:

Labcorp Genetics (formerly Invitae), Labcorp
Classification: Likely pathogenic for Dilated cardiomyopathy 1G; Autosomal recessive limb-girdle muscular dystrophy type 2J. Last evaluated: 2024-04-25. Review status: criteria provided, single submitter. Criteria: Invitae Variant Classification Sherloc (09022015). Collection method: clinical testing. Allele origin: germline.
Comment: This sequence change creates a premature translational stop signal (p.Cys6564Trpfs*25) in the TTN gene. While this is not anticipated to result in nonsense mediated decay, it is expected to create a truncated TTN protein. This variant is not present in population databases (gnomAD no frequency). This variant has not been reported in the literature in individuals affected with TTN-related conditions. This variant is located in the I band of TTN (PMID: 25589632). Truncating variants in this region have been reported in individuals affected with autosomal recessive centronuclear myopathy (PMID: 23975875, Invitae internal data). Truncating variants in this region have also been identified in individuals affected with autosomal dominant dilated cardiomyopathy and/or cardio-related conditions (PMID: 27869827, 32964742, Invitae internal data). In summary, the currently available evidence indicates that the variant is pathogenic, but additional data are needed to prove that conclusively. Therefore, this variant has been classified as Likely Pathogenic.

Literature cited by the submitters: PubMed 25589632; PubMed 23975875; PubMed 27869827; PubMed 32964742.

NM_001267550.2(TTN):c.19691dup (p.Cys6564fs)

Gene: TTN (titin; minus strand). Cytogenetic location: 2q31.2.
Variant type: Duplication.
Coding change: c.19691dup on transcript NM_001267550.2 (MANE Select); coding-DNA position 19691, one base duplicated (G; older notation c.19691dupG).
Protein change: p.Cys6564fs; shifts the reading frame from cysteine 6564.
Molecular consequence: frameshift variant. On other transcripts: intron variant (3).
Genome position (GRCh38, 1-based): chr2:178,728,133, C duplicated on the plus strand (G on the coding strand, the reverse complement: TTN is on the minus strand). VCF-style (leftmost placement, unchanged base first): chr2-178728132-G-GC. GRCh37 (hg19) VCF-style: chr2-179592859-G-GC.
Other names: c.18740dup, p.Cys6247fs (NM_001256850.1); c.15959dup, p.Cys5320fs (NM_133378.4); c.13282+9949dup (NM_003319.4); c.13858+9949dup (NM_133437.4); c.13657+9949dup (NM_133432.3); short protein forms C5320fs, C6247fs, C6564fs.
Identifiers: ClinVar variation 3755989 (VCV003755989.2).
Genomic context (GRCh38, chr2:178,728,132, plus strand): 5'-CGCAAGGAAGAATCAAGAAGAGGTAAAGAAATTCTAACCTTTCACAGTTAAGATGCCACT[G>GC]CATGCATCATCTCCTGCTACATTTGACACTTTGCATGTGTAATTTGCAGTATCTTCTAAT-3'